The following is an entry in ClinVar:

NM_001267052.2(UNC45B):c.2255G>A (p.Arg752Gln)

Gene: UNC45B (unc-45 myosin chaperone B; plus strand). Cytogenetic location: 17q12.
Variant type: single nucleotide variant.
Coding change: c.2255G>A on transcript NM_001267052.2 (MANE Select); coding-DNA position 2255, G replaced by A.
Protein change: p.Arg752Gln; replaces arginine 752 with glutamine.
Molecular consequence: missense variant.
Genome position (GRCh38, 1-based): chr17:35,177,610, G>A. VCF-style: chr17-35177610-G-A. GRCh37 (hg19) VCF-style: chr17-33504629-G-A.
Other names: c.2261G>A (NM_173167.2); c.2255G>A (NM_001267052.1); c.2255G>A, p.Arg752Gln (NM_001033576.2); c.2018G>A, p.Arg673Gln (NM_001308281.1); c.2261G>A, p.Arg754Gln (NM_173167.3); short protein forms R673Q, R754Q, R752Q.
Identifiers: ClinVar variation 834072 (VCV000834072.8), dbSNP rs139715157, ClinGen allele CA8501445.

ClinVar aggregate classification (germline): Pathogenic. Review status: criteria provided, multiple submitters, no conflicts (2 of 4 stars). 5 submissions from 5 submitters: Pathogenic (3). 2 of the submissions do not count toward it. Last evaluated 2025-08-07.

Conditions:
Myofibrillar myopathy 11. Also called: MYOPATHY, CONGENITAL, WITH ECCENTRIC CORES. Identifiers: MedGen C5543038, MONDO:0030927, OMIM 619178.
Myopathy. Identifiers: MedGen C0026848, MeSH D009135, MONDO:0005336, HP:0003198.
UNC45B-related disorder. Also called: UNC45B-related condition.

Allele frequency attached by ClinVar (database versions not stated): ExAC 0.00004; gnomAD exomes 0.00005; ESP Exome Variant Server 0.00008; gnomAD 0.00009 and 0.00012; TOPMed 0.00017; 1000 Genomes Project 0.00020; 1000 Genomes Project 30x 0.00031.
gnomAD v4.1: 112 of 1,543,968 alleles (0.0073%); highest among the groups gnomAD compares: Admixed American, 0.035%; no homozygotes.

Submissions (5):

PreventionGenetics, part of Exact Sciences
Classification: Pathogenic for UNC45B-related condition. Last evaluated: 2025-08-07. Review status: criteria provided, single submitter. Criteria: ACMG Guidelines, 2015. Collection method: clinical testing. Allele origin: germline.
Comment: The UNC45B c.2261G>A variant is predicted to result in the amino acid substitution p.Arg754Gln. This variant occurs at the last nucleotide position of exon 16 and is predicted to interfere with splicing at the consensus donor splice site (SpliceAI, Jaganathan K, et al. 2019. PubMed ID: 30661751). This variant was reported in the homozygous and compound heterozygous states in multiple individuals with congenital myopathy (Dafsari et al. 2019. PubMed ID: 31852522; Donkervoort et al. 2020. PubMed ID: 33217308). Functional studies of RNA extracted from muscle samples of homozygous patients showed that this variant led to the production of both a full length transcript containing the p.Arg754Gln variant and a truncated transcript (Donkervoort et al. 2020. PubMed ID: 33217308). Additional functional studies in c. elegans showed that the p.Arg754Gln variant was able to rescue the phenotype, suggesting that the p.Arg754Gln functions through a hypomorphic effect mediated by decreased production of full length transcript (Donkervoort et al. 2020. PubMed ID: 33217308) This variant is reported in 0.020% of alleles in individuals of Latino descent in gnomAD. Based on this evidence, we interpret this variant as pathogenic for autosomal recessive UNC45B-related disorders.

Victorian Clinical Genetics Services, Murdoch Childrens Research Institute
Classification: Pathogenic for Myofibrillar myopathy 11. Last evaluated: 2024-10-09. Review status: criteria provided, single submitter. Criteria: ACMG Guidelines, 2015. Collection method: clinical testing. Allele origin: germline. Inheritance: Autosomal recessive inheritance.
Comment: Based on the classification scheme VCGS_Germline_v1.3.4, this variant is classified as Pathogenic. Following criteria are met: 0102 - Loss of function is a known mechanism of disease in this gene and is associated with myofibrillar myopathy 11 (MIM#619178). (I) 0106 - This gene is associated with autosomal recessive disease. (I) 0210 - Splice site variant proven to affect splicing of the transcript with a known effect on protein sequence. This variant affects the last nucleotide of exon 17 and RNA sequencing on muscle tissue from homozygous affected individuals showed that it creates a leaky cryptic donor splice site causing intron retention including an in frame stop codon expected to undergo nonsense-mediated decay (NMD). Some full length transcripts with the p.(Arg752Gln) missense change were also observed (PMID: 33217308). (SP) 0252 - This variant is homozygous. (I) 0304 - Variant is present in gnomAD (v3) <0.01 for a recessive condition (17 heterozygotes, 0 homozygotes). (SP) 0309 - An alternative amino acid change at the same position has been observed in gnomAD (v2) (8 heterozygotes, 0 homozygotes). (I) 0502 - Missense variant with conflicting in silico predictions and uninformative conservation. (I) 0600 - Variant is located in the annotated C-terminal UCS domain (PMID: 33217308). (I) 0705 - No comparable splice site or NMD-predicted variants have previous evidence for pathogenicity. (I) 0801 - This variant has strong previous evidence of pathogenicity in unrelated individuals. This variant has been reported once in ClinVar as pathogenic and in eight individuals from six families affected with myofibrillar myopathy (PMIDs: 33217308, 31852522). (I) Legend: (SP) - Supporting pathogenic, (I) - Information, (SB) - Supporting benign

GeneDx
Classification: Pathogenic. Last evaluated: 2024-08-03. Review status: criteria provided, single submitter. Criteria: GeneDx Variant Classification Process June 2021. Collection method: clinical testing. Allele origin: germline. Affected: yes.
Comment: Published functional studies demonstrate p.(R754Q) impacts UNC-45B chaperone activity through a reduction in overall protein levels (PMID: 33217308); In silico analysis supports that this missense variant has a deleterious effect on protein structure/function; This variant is associated with the following publications: (PMID: 31852522, 33217308)

OMIM
Classification: Pathogenic for MYOFIBRILLAR MYOPATHY 11. Last evaluated: 2021-02-15. Review status: no assertion criteria provided. Collection method: literature only. Allele origin: germline. Not counted in ClinVar's aggregate classification.

Cirak Lab, University Hospital Cologne
Classification: Pathogenic for Myopathy. Last evaluated: 2019-11-18. Review status: no assertion criteria provided. Collection method: research. Allele origin: maternal. Inheritance: Autosomal recessive inheritance. Affected: yes. Observed: 1 homozygote. Not counted in ClinVar's aggregate classification.

Literature cited by the submitters: PubMed 31852522 (cited by Victorian Clinical Genetics Services, Murdoch Childrens Research Institute and OMIM); PubMed 33217308 (cited by Victorian Clinical Genetics Services, Murdoch Childrens Research Institute and OMIM).